The following is an entry in ClinVar:

ClinVar aggregate classification (germline): Pathogenic (1 of 4 stars; one submission).

Conditions:
Early-infantile DEE. Also called: Early infantile epileptic encephalopathy with suppression bursts; Early infantile epileptic encephalopathy; Ohtahara syndrome. Identifiers: Orphanet 1934, MedGen C0393706, MONDO:0800491.

Submission:

Labcorp Genetics (formerly Invitae), Labcorp
Classification: Pathogenic for Early-infantile DEE. Last evaluated: 2021-07-29. Review status: criteria provided, single submitter. Criteria: Invitae Variant Classification Sherloc (09022015). Collection method: clinical testing. Allele origin: germline.
Comment: For these reasons, this variant has been classified as Pathogenic. Nucleotide substitutions within the consensus splice site are a relatively common cause of aberrant splicing (PMID: 17576681, 9536098). Algorithms developed to predict the effect of sequence changes on RNA splicing suggest that this variant may disrupt the consensus splice site, but this prediction has not been confirmed by published transcriptional studies. This variant is not present in population databases (ExAC no frequency). This sequence change falls in intron 8 of the SCN1A gene. It does not directly change the encoded amino acid sequence of the SCN1A protein, but it affects a nucleotide within the consensus splice site of the intron.

Literature cited by the submitters: PubMed 17576681; PubMed 9536098.

NM_001165963.4(SCN1A):c.1170+5G>A

Gene: SCN1A (sodium voltage-gated channel alpha subunit 1; minus strand). Cytogenetic location: 2q24.3.
Variant type: single nucleotide variant.
Coding change: c.1170+5G>A on transcript NM_001165963.4 (MANE Select); 5 bases into the intron after coding-DNA position 1170, G replaced by A.
Molecular consequence: intron variant.
Genome position (GRCh38, 1-based): chr2:166,047,622, C>T on the plus strand (G>A on the coding strand, the complement: SCN1A is on the minus strand). VCF-style: chr2-166047622-C-T. GRCh37 (hg19) VCF-style: chr2-166904132-C-T.
Other names: c.1170+5G>A (NM_001353949.2, NM_001353958.2, NM_001353950.2 and 10 more transcripts); c.-1256+5G>A (NM_001353961.2).
Identifiers: ClinVar variation 646111 (VCV000646111.10), dbSNP rs1057524737, ClinGen allele CA915942921.
Genomic context (GRCh38, chr2:166,047,622, plus strand): 5'-CATAACTCAATTGGTTTTCTTGTATACTTTTACTTAAATGGAGAGTGTGGCTCTTTAGTT[C>T]TCACCAGTTGATAAAGATTTTCCCAGAAGTCCTGAGTCATTAGTCGAAACAAGGACAAAA-3'